The following is an entry in ClinVar:

ClinVar aggregate classification (germline): Uncertain significance (1 of 4 stars; one submission).

Conditions:
Marfan syndrome (MFS). Also called: MARFAN SYNDROME, TYPE I; Marfan syndrome type 1; Marfan's syndrome; Marfan syndrome, classic; FBN1-Related Marfan Syndrome. Identifiers: Orphanet 284963, Orphanet 558, MedGen C0024796, MONDO:0007947, OMIM 154700.
Familial thoracic aortic aneurysm and aortic dissection (TAAD). Also called: Thoracic aortic aneurysms and dissections. Identifiers: Orphanet 91387, MedGen C4707243, MONDO:0019625.

Submission:

Labcorp Genetics (formerly Invitae), Labcorp
Classification: Uncertain significance for Marfan syndrome; Familial thoracic aortic aneurysm and aortic dissection. Last evaluated: 2023-04-17. Review status: criteria provided, single submitter. Criteria: Invitae Variant Classification Sherloc (09022015). Collection method: clinical testing. Allele origin: germline.
Comment: In summary, the available evidence is currently insufficient to determine the role of this variant in disease. Therefore, it has been classified as a Variant of Uncertain Significance. Variants that disrupt the consensus splice site are a relatively common cause of aberrant splicing (PMID: 17576681, 9536098). Algorithms developed to predict the effect of sequence changes on RNA splicing suggest that this variant may disrupt the consensus splice site. An algorithm developed to predict the effect of missense changes on protein structure and function (PolyPhen-2) suggests that this variant is likely to be disruptive. This missense change has been observed in individual(s) with clinical features of Marfan syndrome (Invitae). This variant is not present in population databases (gnomAD no frequency). This sequence change replaces aspartic acid, which is acidic and polar, with histidine, which is basic and polar, at codon 2127 of the FBN1 protein (p.Asp2127His). This variant also falls at the last nucleotide of exon 52, which is part of the consensus splice site for this exon.

Literature cited by the submitters: PubMed 17576681; PubMed 9536098.

NM_000138.5(FBN1):c.6379G>C (p.Asp2127His)

Gene: FBN1 (fibrillin 1; minus strand). Cytogenetic location: 15q21.1.
Variant type: single nucleotide variant.
Coding change: c.6379G>C on transcript NM_000138.5 (MANE Select); coding-DNA position 6379, G replaced by C.
Protein change: p.Asp2127His; replaces aspartic acid 2127 with histidine.
Molecular consequence: missense variant.
Genome position (GRCh38, 1-based): chr15:48,437,322, C>G on the plus strand (G>C on the coding strand, the complement: FBN1 is on the minus strand). VCF-style: chr15-48437322-C-G. GRCh37 (hg19) VCF-style: chr15-48729519-C-G.
Other names: c.6379G>C, p.Asp2127His (NM_001406716.1); short protein forms D2127H.
Identifiers: ClinVar variation 2946863 (VCV002946863.3), dbSNP rs1555395225, ClinGen allele CA392336734.